The following is an entry in ClinVar:

ClinVar aggregate classification (germline): Conflicting classifications of pathogenicity. Review status: criteria provided, conflicting classifications (1 of 4 stars). 3 submissions from 3 submitters: Likely pathogenic (1); Uncertain significance (2). Last evaluated 2024-07-16.

Conditions:
GRM6-related disorders.
Congenital stationary night blindness 1B. Also called: Night blindness, congenital stationary (complete), 1B, autosomal recessive; NIGHT BLINDNESS, CONGENITAL STATIONARY, COMPLETE, AUTOSOMAL RECESSIVE. Identifiers: Orphanet 215, MedGen C1850362, MONDO:0009758, OMIM 257270.

Allele frequency attached by ClinVar (database versions not stated): gnomAD 0.00001; ExAC 0.00005; TOPMed 0.00005; gnomAD exomes 0.00008.
gnomAD v4.1: 15 of 1,613,090 alleles (0.00093%); highest among the groups gnomAD compares: East Asian, 0.031%; no homozygotes.

Submissions (3):

Blueprint Genetics
Classification: Likely pathogenic for GRM6-related disorders. Last evaluated: 2024-07-16. Review status: criteria provided, single submitter. Criteria: ACMG Guidelines, 2015. Collection method: clinical testing. Allele origin: germline. Affected: yes. Observed: 5 variant alleles.

Labcorp Genetics (formerly Invitae), Labcorp
Classification: Uncertain significance. Last evaluated: 2021-06-22. Review status: criteria provided, single submitter. Criteria: Invitae Variant Classification Sherloc (09022015). Collection method: clinical testing. Allele origin: germline.
Comment: This sequence change replaces glutamine with histidine at codon 708 of the GRM6 protein (p.Gln708His). The glutamine residue is highly conserved and there is a small physicochemical difference between glutamine and histidine. This variant also falls at the last nucleotide of exon 8 of the GRM6 coding sequence, which is part of the consensus splice site for this exon. This variant is present in population databases (rs746955863, ExAC 0.06%). This variant has been observed in individual(s) with early onset high myopia (PMID: 28373534). Algorithms developed to predict the effect of missense changes on protein structure and function are either unavailable or do not agree on the potential impact of this missense change (SIFT: "Deleterious"; PolyPhen-2: "Probably Damaging"; Align-GVGD: "Class C15"). Nucleotide substitutions within the consensus splice site are a relatively common cause of aberrant splicing (PMID: 17576681, 9536098). Algorithms developed to predict the effect of sequence changes on RNA splicing suggest that this variant may disrupt the consensus splice site, but this prediction has not been confirmed by published transcriptional studies. In summary, the available evidence is currently insufficient to determine the role of this variant in disease. Therefore, it has been classified as a Variant of Uncertain Significance.

Juno Genomics, Hangzhou Juno Genomics, Inc
Classification: Uncertain significance for Congenital stationary night blindness 1B. Review status: criteria provided, single submitter. Criteria: ACMG Guidelines, 2015. Collection method: clinical testing. Allele origin: germline.
Comment: Absent from controls (or at extremely low frequency if recessive) in Genome Aggregation Database.;Multiple lines of computational evidence support a deleterious effect on the gene or gene product.;For recessive disorders, detected in trans with a pathogenic variant.

Literature cited by the submitters: PubMed 28373534 (cited by Labcorp Genetics (formerly Invitae), Labcorp); PubMed 17576681 (cited by Labcorp Genetics (formerly Invitae), Labcorp); PubMed 9536098 (cited by Labcorp Genetics (formerly Invitae), Labcorp).

NM_000843.4(GRM6):c.2124G>T (p.Gln708His)

Genes: GRM6 (glutamate metabotropic receptor 6; minus strand), ZNF454 (zinc finger protein 454; plus strand). Cytogenetic location: 5q35.3.
Variant type: single nucleotide variant.
Coding change: c.2124G>T on transcript NM_000843.4 (MANE Select); coding-DNA position 2124, G replaced by T.
Protein change: p.Gln708His; replaces glutamine 708 with histidine.
Molecular consequence: missense variant.
Genome position (GRCh38, 1-based): chr5:178,986,130, C>A on the plus strand (G>T on the coding strand, the complement: GRM6 is on the minus strand). VCF-style: chr5-178986130-C-A. GRCh37 (hg19) VCF-style: chr5-178413131-C-A.
Other names: short protein forms Q708H.
Identifiers: ClinVar variation 1025293 (VCV001025293.11), dbSNP rs746955863, ClinGen allele CA3593823.